The following is an entry in ClinVar:

ClinVar aggregate classification (germline): Uncertain significance (1 of 4 stars; one submission).

Conditions:
Congenital myotonia, autosomal recessive form. Also called: BECKER DISEASE; Becker Generalized Myotonia; myotonia congenita, autosomal recessive. Identifiers: Orphanet 614, MedGen C0751360, MONDO:0009715, OMIM 255700.
Congenital myotonia, autosomal dominant form (THD). Also called: THOMSEN DISEASE; Myotonia congenita autosomal dominant. Identifiers: Orphanet 614, MedGen C2936781, MONDO:0008055, OMIM 160800.

gnomAD v4.1: 10 of 1,613,760 alleles (0.00062%); highest among the groups gnomAD compares: Non-Finnish European, 0.00076%; no homozygotes.

Submission:

Labcorp Genetics (formerly Invitae), Labcorp
Classification: Uncertain significance for Congenital myotonia, autosomal recessive form; Congenital myotonia, autosomal dominant form. Last evaluated: 2022-04-20. Review status: criteria provided, single submitter. Criteria: Invitae Variant Classification Sherloc (09022015). Collection method: clinical testing. Allele origin: germline.
Comment: This sequence change replaces phenylalanine, which is neutral and non-polar, with leucine, which is neutral and non-polar, at codon 27 of the CLCN1 protein (p.Phe27Leu). This variant is not present in population databases (gnomAD no frequency). This variant has not been reported in the literature in individuals affected with CLCN1-related conditions. Algorithms developed to predict the effect of missense changes on protein structure and function (SIFT, PolyPhen-2, Align-GVGD) all suggest that this variant is likely to be tolerated. In summary, the available evidence is currently insufficient to determine the role of this variant in disease. Therefore, it has been classified as a Variant of Uncertain Significance.

NM_000083.3(CLCN1):c.81T>A (p.Phe27Leu)

Gene: CLCN1 (chloride voltage-gated channel 1; plus strand). Cytogenetic location: 7q34.
Variant type: single nucleotide variant.
Coding change: c.81T>A on transcript NM_000083.3 (MANE Select); coding-DNA position 81, T replaced by A.
Protein change: p.Phe27Leu; replaces phenylalanine 27 with leucine.
Molecular consequence: missense variant. On other transcripts: non-coding transcript variant (1).
Genome position (GRCh38, 1-based): chr7:143,316,293, T>A. VCF-style: chr7-143316293-T-A. GRCh37 (hg19) VCF-style: chr7-143013386-T-A.
Other names: short protein forms F27L.
Identifiers: ClinVar variation 2100346 (VCV002100346.4), dbSNP rs2487015521, ClinGen allele CA369676916.